The following is an entry in ClinVar:

ClinVar aggregate classification (germline): Uncertain significance. Review status: criteria provided, multiple submitters, no conflicts (2 of 4 stars). 2 submissions from 2 submitters: Uncertain significance (2). Last evaluated 2025-03-10.

Conditions:
Kabuki syndrome. Also called: NIIKAWA-KUROKI SYNDROME; Kabuki make-up syndrome. Identifiers: Orphanet 2322, MedGen C0796004, MONDO:0016512.

gnomAD v4.1: 1 of 1,551,268 alleles (0.000064%); highest among the groups gnomAD compares: Non-Finnish European, 0.000087%; no homozygotes.

Submissions (2):

Labcorp Genetics (formerly Invitae), Labcorp
Classification: Uncertain significance for Kabuki syndrome. Last evaluated: 2025-03-10. Review status: criteria provided, single submitter. Criteria: Invitae Variant Classification Sherloc (09022015). Collection method: clinical testing. Allele origin: germline.
Comment: This sequence change replaces alanine, which is neutral and non-polar, with threonine, which is neutral and polar, at codon 765 of the KMT2D protein (p.Ala765Thr). This variant is not present in population databases (gnomAD no frequency). This variant has not been reported in the literature in individuals affected with KMT2D-related conditions. Invitae Evidence Modeling of protein sequence and biophysical properties (such as structural, functional, and spatial information, amino acid conservation, physicochemical variation, residue mobility, and thermodynamic stability) indicates that this missense variant is not expected to disrupt KMT2D protein function with a negative predictive value of 95%. In summary, the available evidence is currently insufficient to determine the role of this variant in disease. Therefore, it has been classified as a Variant of Uncertain Significance.

Blueprint Genetics
Classification: Uncertain significance. Last evaluated: 2022-09-27. Review status: criteria provided, single submitter. Criteria: ACMG Guidelines, 2015. Collection method: clinical testing. Allele origin: germline.

NM_003482.4(KMT2D):c.2293G>A (p.Ala765Thr)

Gene: KMT2D (lysine methyltransferase 2D; minus strand). Cytogenetic location: 12q13.12.
Variant type: single nucleotide variant.
Coding change: c.2293G>A on transcript NM_003482.4 (MANE Select); coding-DNA position 2293, G replaced by A.
Protein change: p.Ala765Thr; replaces alanine 765 with threonine.
Molecular consequence: missense variant.
Genome position (GRCh38, 1-based): chr12:49,051,390, C>T on the plus strand (G>A on the coding strand, the complement: KMT2D is on the minus strand). VCF-style: chr12-49051390-C-T. GRCh37 (hg19) VCF-style: chr12-49445173-C-T.
Other names: short protein forms A765T.
Identifiers: ClinVar variation 4739473 (VCV004739473.2).